The following is an entry in ClinVar:

NM_020461.4(TUBGCP6):c.4145C>G (p.Pro1382Arg)

Gene: TUBGCP6 (tubulin gamma complex component 6; minus strand). Cytogenetic location: 22q13.33.
Variant type: single nucleotide variant.
Coding change: c.4145C>G on transcript NM_020461.4 (MANE Select); coding-DNA position 4145, C replaced by G.
Protein change: p.Pro1382Arg; replaces proline 1382 with arginine.
Molecular consequence: missense variant.
Genome position (GRCh38, 1-based): chr22:50,219,979, G>C on the plus strand (C>G on the coding strand, the complement: TUBGCP6 is on the minus strand). VCF-style: chr22-50219979-G-C. GRCh37 (hg19) VCF-style: chr22-50658408-G-C.
Other names: short protein forms P1382R.
Identifiers: ClinVar variation 1378164 (VCV001378164.6), dbSNP rs933853692, ClinGen allele CA412176372.
Genomic context (GRCh38, chr22:50,219,979, plus strand): 5'-CTGCCTGCTGTGGGACCCCCAGGCTGCATCCACCTAACCTGTGAGTTGAGAGGCCAATTT[G>C]GAGAGAGGTCCTCAGTGTCCCCGCTCCTCCCAGGGCCTGTGTGGACACAAGTGGACACGA-3'
Protein context (NP_065194.3, residues 1372-1392): GRSGDTEDLS[Pro1382Arg]NWPLNSQEDT

ClinVar aggregate classification (germline): Uncertain significance (1 of 4 stars; one submission).

Submission:

Labcorp Genetics (formerly Invitae), Labcorp
Classification: Uncertain significance. Last evaluated: 2021-09-04. Review status: criteria provided, single submitter. Criteria: Invitae Variant Classification Sherloc (09022015). Collection method: clinical testing. Allele origin: germline.
Comment: Algorithms developed to predict the effect of missense changes on protein structure and function are either unavailable or do not agree on the potential impact of this missense change (SIFT: "Tolerated"; PolyPhen-2: "Probably Damaging"; Align-GVGD: "Class C0"). In summary, the available evidence is currently insufficient to determine the role of this variant in disease. Therefore, it has been classified as a Variant of Uncertain Significance. This variant has not been reported in the literature in individuals affected with TUBGCP6-related conditions. This variant is not present in population databases (ExAC no frequency). This sequence change replaces proline with arginine at codon 1382 of the TUBGCP6 protein (p.Pro1382Arg). The proline residue is weakly conserved and there is a moderate physicochemical difference between proline and arginine.